The following is an entry in ClinVar:

NM_016343.4(CENPF):c.7994A>G (p.Lys2665Arg)

Gene: CENPF (centromere protein F; plus strand). Cytogenetic location: 1q41.
Variant type: single nucleotide variant.
Coding change: c.7994A>G on transcript NM_016343.4 (MANE Select); coding-DNA position 7994, A replaced by G.
Protein change: p.Lys2665Arg; replaces lysine 2665 with arginine.
Molecular consequence: missense variant.
Genome position (GRCh38, 1-based): chr1:214,651,720, A>G. VCF-style: chr1-214651720-A-G. GRCh37 (hg19) VCF-style: chr1-214825063-A-G.
Other names: short protein forms K2665R.
Identifiers: ClinVar variation 2633468 (VCV002633468.1), dbSNP rs1658465627, ClinGen allele CA344854268.

ClinVar aggregate classification (germline): Uncertain significance (1 of 4 stars; one submission).

Conditions:
CENPF-related disorder. Also called: CENPF-related condition.

Allele frequency attached by ClinVar (database versions not stated): gnomAD 0.00001; gnomAD exomes 0.00001; TOPMed 0.00001.
gnomAD v4.1: 16 of 1,583,230 alleles (0.001%); highest among the groups gnomAD compares: Non-Finnish European, 0.0013%; no homozygotes.

Submission:

PreventionGenetics, part of Exact Sciences
Classification: Uncertain significance for CENPF-related condition. Last evaluated: 2023-03-04. Review status: criteria provided, single submitter. Criteria: ACMG Guidelines, 2015. Collection method: clinical testing. Allele origin: germline.
Comment: The CENPF c.7994A>G variant is predicted to result in the amino acid substitution p.Lys2665Arg. To our knowledge, this variant has not been reported in the literature or in a large population database, indicating this variant is rare. At this time, the clinical significance of this variant is uncertain due to the absence of conclusive functional and genetic evidence.